The following is an entry in ClinVar:

NM_001145809.2(MYH14):c.2140C>T (p.Leu714Phe)

Gene: MYH14 (myosin heavy chain 14; plus strand). Cytogenetic location: 19q13.33.
Variant type: single nucleotide variant.
Coding change: c.2140C>T on transcript NM_001145809.2 (MANE Select); coding-DNA position 2140, C replaced by T.
Protein change: p.Leu714Phe; replaces leucine 714 with phenylalanine.
Molecular consequence: missense variant.
Genome position (GRCh38, 1-based): chr19:50,257,394, C>T. VCF-style: chr19-50257394-C-T. GRCh37 (hg19) VCF-style: chr19-50760651-C-T.
Other names: c.2041C>T, p.Leu681Phe (NM_001077186.2); c.2017C>T, p.Leu673Phe (NM_024729.4); c.2017C>T (NM_024729.3); short protein forms L673F, L714F, L681F.
Identifiers: ClinVar variation 1969401 (VCV001969401.6), dbSNP rs994993110, ClinGen allele CA309551506.

ClinVar aggregate classification (germline): Uncertain significance. Review status: criteria provided, multiple submitters, no conflicts (2 of 4 stars). 2 submissions from 2 submitters: Uncertain significance (2). Last evaluated 2025-12-10.

Conditions:
Inborn genetic diseases. Identifiers: MedGen C0950123, MeSH D030342.

Allele frequency attached by ClinVar (database versions not stated): gnomAD 0.00001; gnomAD exomes 0.00001; TOPMed 0.00002.
gnomAD v4.1: 6 of 1,608,288 alleles (0.00037%); highest among the groups gnomAD compares: Admixed American, 0.0017%; no homozygotes.

Submissions (2):

Ambry Genetics
Classification: Uncertain significance for Inborn genetic diseases. Last evaluated: 2025-12-10. Review status: criteria provided, single submitter. Criteria: Ambry Variant Classification Scheme 2023. Collection method: clinical testing. Allele origin: germline.

Labcorp Genetics (formerly Invitae), Labcorp
Classification: Uncertain significance. Last evaluated: 2022-02-14. Review status: criteria provided, single submitter. Criteria: Invitae Variant Classification Sherloc (09022015). Collection method: clinical testing. Allele origin: germline.
Comment: In summary, the available evidence is currently insufficient to determine the role of this variant in disease. Therefore, it has been classified as a Variant of Uncertain Significance. Algorithms developed to predict the effect of missense changes on protein structure and function are either unavailable or do not agree on the potential impact of this missense change (SIFT: "Deleterious"; PolyPhen-2: "Benign"; Align-GVGD: "Class C15"). This variant has not been reported in the literature in individuals affected with MYH14-related conditions. This variant is present in population databases (no rsID available, gnomAD 0.0009%). This sequence change replaces leucine, which is neutral and non-polar, with phenylalanine, which is neutral and non-polar, at codon 673 of the MYH14 protein (p.Leu673Phe).